The following is an entry in ClinVar:

ClinVar aggregate classification (germline): Uncertain significance (1 of 4 stars; one submission).

Conditions:
RPGRIP1L-related disorder. Also called: RPGRIP1L-related condition; RPGRIP1L-related disorders. Identifiers: MedGen CN239416.

Submission:

PreventionGenetics, part of Exact Sciences
Classification: Uncertain significance for RPGRIP1L-related condition. Last evaluated: 2026-06-22. Review status: criteria provided, single submitter. Criteria: ACMG Guidelines, 2015. Collection method: clinical testing. Allele origin: germline.
Comment: The RPGRIP1L c.2153-21G>A variant is predicted to interfere with splicing. To our knowledge, this variant has not been reported in the literature or in a large population database (gnomAD), indicating this variant is rare. However, the use of computer prediction programs is not equivalent to functional evidence, and therefore the clinical significance of this variant is uncertain.

NM_015272.5(RPGRIP1L):c.2153-21G>A

Gene: RPGRIP1L (RPGRIP1 like; minus strand). Cytogenetic location: 16q12.2.
Variant type: single nucleotide variant.
Coding change: c.2153-21G>A on transcript NM_015272.5 (MANE Select); 21 bases into the intron before coding-DNA position 2153, G replaced by A.
Molecular consequence: intron variant.
Genome position (GRCh38, 1-based): chr16:53,649,136, C>T on the plus strand (G>A on the coding strand, the complement: RPGRIP1L is on the minus strand). VCF-style: chr16-53649136-C-T. GRCh37 (hg19) VCF-style: chr16-53683048-C-T.
Other names: c.2153-21G>A (NM_001127897.4, NM_001330538.2, NM_001308334.3).
Identifiers: ClinVar variation 4995426 (VCV004995426.1).